The following is an entry in ClinVar:

ClinVar aggregate classification (germline): Uncertain significance (1 of 4 stars; one submission).

Allele frequency attached by ClinVar (database versions not stated): gnomAD exomes below 0.00001 and 0.00001; ExAC 0.00002; gnomAD 0.00003; TOPMed 0.00005.
gnomAD v4.1: 6 of 1,614,048 alleles (0.00037%); highest among the groups gnomAD compares: African/African-American, 0.0053%; no homozygotes.

Submission:

Labcorp Genetics (formerly Invitae), Labcorp
Classification: Uncertain significance. Last evaluated: 2021-07-17. Review status: criteria provided, single submitter. Criteria: Invitae Variant Classification Sherloc (09022015). Collection method: clinical testing. Allele origin: germline.
Comment: This sequence change replaces valine with glycine at codon 251 of the SPART protein (p.Val251Gly). The valine residue is highly conserved and there is a moderate physicochemical difference between valine and glycine. This variant is present in population databases (rs766063946, ExAC 0.03%). In summary, the available evidence is currently insufficient to determine the role of this variant in disease. Therefore, it has been classified as a Variant of Uncertain Significance. Algorithms developed to predict the effect of missense changes on protein structure and function (SIFT, PolyPhen-2, Align-GVGD) all suggest that this variant is likely to be disruptive. This variant has not been reported in the literature in individuals affected with SPART-related conditions.

NM_015087.5(SPART):c.752T>G (p.Val251Gly)

Gene: SPART (spartin; minus strand). Cytogenetic location: 13q13.3.
Variant type: single nucleotide variant.
Coding change: c.752T>G on transcript NM_015087.5 (MANE Select); coding-DNA position 752, T replaced by G.
Protein change: p.Val251Gly; replaces valine 251 with glycine.
Molecular consequence: missense variant.
Genome position (GRCh38, 1-based): chr13:36,335,079, A>C on the plus strand (T>G on the coding strand, the complement: SPART is on the minus strand). VCF-style: chr13-36335079-A-C. GRCh37 (hg19) VCF-style: chr13-36909216-A-C.
Other names: c.752T>G, p.Val251Gly (NM_001142294.2, NM_001142295.2, NM_001142296.2); short protein forms V251G.
Identifiers: ClinVar variation 1435209 (VCV001435209.8), dbSNP rs766063946, ClinGen allele CA6949582.